The following is an entry in ClinVar:

NM_014165.2(NDUFAF4):c.-312T>C

Genes: KLHL32 (kelch like family member 32; plus strand), NDUFAF4 (NADH:ubiquinone oxidoreductase complex assembly factor 4; minus strand). Cytogenetic location: 6q16.1.
Variant type: single nucleotide variant.
Coding change: c.-312T>C on transcript NM_014165.2; 312 bases upstream of the start codon, T replaced by C.
Molecular consequence: 5 prime UTR variant (on NM_001323258.2).
Genome position (GRCh38, 1-based): chr6:96,898,113, A>G on the plus strand (T>C on the coding strand, the complement: NDUFAF4 is on the minus strand). VCF-style: chr6-96898113-A-G. GRCh37 (hg19) VCF-style: chr6-97345989-A-G.
Other names: c.-2186A>G (NM_001323258.2).
Identifiers: ClinVar variation 681254 (VCV000681254.3), dbSNP rs12524027, ClinGen allele CA12201427.
Genomic context (GRCh38, chr6:96,898,113, plus strand): 5'-GCTTAAGTCCCCAGACCCACGGTTGCTTTTAACGCTGGAACTCCGAGGGAGTCACCCGGG[A>G]AGCTCTGTAAAGTTCTGTGCCGGGCCCTACCCCAGACTTTCTGATTTAATTCTTGTGGAG-3'

ClinVar aggregate classification (germline): Benign (1 of 4 stars; one submission).

Allele frequency attached by ClinVar (database versions not stated): TOPMed 0.04014; gnomAD 0.04034 and 0.03881; 1000 Genomes Project 0.02296; 1000 Genomes Project 30x 0.02295.
gnomAD v4.1: 6,013 of 152,196 alleles (4%); highest among the groups gnomAD compares: Middle Eastern, 9.2%; 165 homozygotes.

Submission:

GeneDx
Classification: Benign. Last evaluated: 2018-06-14. Review status: criteria provided, single submitter. Criteria: GeneDx Variant Classification (06012015). Collection method: clinical testing. Allele origin: germline. Affected: yes.
Comment: This variant is considered likely benign or benign based on one or more of the following criteria: it is a conservative change, it occurs at a poorly conserved position in the protein, it is predicted to be benign by multiple in silico algorithms, and/or has population frequency not consistent with disease.